The following is an entry in ClinVar:

ClinVar aggregate classification (germline): Uncertain significance. Review status: criteria provided, multiple submitters, no conflicts (2 of 4 stars). 2 submissions from 2 submitters: Uncertain significance (2). Last evaluated 2021-10-26.

Conditions:
Muscular dystrophy-dystroglycanopathy (congenital with brain and eye anomalies), type a, 8 (MDDGA8). Also called: WALKER-WARBURG SYNDROME OR MUSCLE-EYE-BRAIN DISEASE, GTDC2-RELATED. Identifiers: Orphanet 899, MedGen C3553813, MONDO:0013904, OMIM 614830.
Inborn genetic diseases. Identifiers: MedGen C0950123, MeSH D030342.

Allele frequency attached by ClinVar (database versions not stated): gnomAD exomes 0.00001 and 0.00003; gnomAD 0.00002 and 0.00003; ExAC 0.00005; TOPMed 0.00005; 1000 Genomes Project 30x 0.00016; 1000 Genomes Project 0.00020.

Submissions (2):

Labcorp Genetics (formerly Invitae), Labcorp
Classification: Uncertain significance for Muscular dystrophy-dystroglycanopathy (congenital with brain and eye anomalies), type a, 8. Last evaluated: 2021-10-26. Review status: criteria provided, single submitter. Criteria: Invitae Variant Classification Sherloc (09022015). Collection method: clinical testing. Allele origin: germline.
Comment: This sequence change replaces valine with isoleucine at codon 259 of the POMGNT2 protein (p.Val259Ile). The valine residue is highly conserved and there is a small physicochemical difference between valine and isoleucine. Algorithms developed to predict the effect of missense changes on protein structure and function output the following: SIFT: "Deleterious"; PolyPhen-2: "Possibly Damaging"; Align-GVGD: "Class C25". The isoleucine amino acid residue is found in multiple mammalian species, which suggests that this missense change does not adversely affect protein function. This variant has not been reported in the literature in individuals affected with POMGNT2-related conditions. In summary, the available evidence is currently insufficient to determine the role of this variant in disease. Therefore, it has been classified as a Variant of Uncertain Significance. This variant is present in population databases (rs577129212, ExAC 0.04%).

Ambry Genetics
Classification: Uncertain significance for Inborn genetic diseases. Last evaluated: 2021-04-29. Review status: criteria provided, single submitter. Criteria: Ambry Variant Classification Scheme 2023. Collection method: clinical testing. Allele origin: germline.

NM_032806.6(POMGNT2):c.775G>A (p.Val259Ile)

Gene: POMGNT2 (protein O-linked mannose N-acetylglucosaminyltransferase 2 (beta 1,4-); minus strand). Cytogenetic location: 3p22.1.
Variant type: single nucleotide variant.
Coding change: c.775G>A on transcript NM_032806.6 (MANE Select); coding-DNA position 775, G replaced by A.
Protein change: p.Val259Ile; replaces valine 259 with isoleucine.
Molecular consequence: missense variant.
Genome position (GRCh38, 1-based): chr3:43,080,657, C>T on the plus strand (G>A on the coding strand, the complement: POMGNT2 is on the minus strand). VCF-style: chr3-43080657-C-T. GRCh37 (hg19) VCF-style: chr3-43122149-C-T.
Other names: c.775G>A (NM_032806.4); short protein forms V259I.
Identifiers: ClinVar variation 1428577 (VCV001428577.7), dbSNP rs577129212, ClinGen allele CA2339997.